The following is an entry in ClinVar:

NM_020944.3(GBA2):c.704C>G (p.Ala235Gly)

Gene: GBA2 (glucosylceramidase beta 2; minus strand). Cytogenetic location: 9p13.3.
Variant type: single nucleotide variant.
Coding change: c.704C>G on transcript NM_020944.3 (MANE Select); coding-DNA position 704, C replaced by G.
Protein change: p.Ala235Gly; replaces alanine 235 with glycine.
Molecular consequence: missense variant.
Genome position (GRCh38, 1-based): chr9:35,741,754, G>C on the plus strand (C>G on the coding strand, the complement: GBA2 is on the minus strand). VCF-style: chr9-35741754-G-C. GRCh37 (hg19) VCF-style: chr9-35741751-G-C.
Other names: c.704C>G, p.Ala235Gly (NM_001330660.2); short protein forms A235G.
Identifiers: ClinVar variation 660629 (VCV000660629.13), dbSNP rs1387168151, ClinGen allele CA373416854.

ClinVar aggregate classification (germline): Uncertain significance. Review status: criteria provided, multiple submitters, no conflicts (2 of 4 stars). 2 submissions from 2 submitters: Uncertain significance (2). Last evaluated 2021-03-17.

Conditions:
Hereditary spastic paraplegia. Also called: Familial spastic paraparesis. Identifiers: Orphanet 685, MedGen C0037773, MONDO:0019064. Disease mechanism: loss of function.
Spastic paraplegia. Identifiers: MedGen C0037772, HP:0001258.

Allele frequency attached by ClinVar (database versions not stated): gnomAD 0.00001; gnomAD exomes 0.00002.

Submissions (2):

Genome Diagnostics Laboratory, The Hospital for Sick Children
Classification: Uncertain significance for Hereditary spastic paraplegia. Last evaluated: 2021-03-17. Review status: criteria provided, single submitter. Criteria: ACMG Guidelines, 2015. Collection method: clinical testing. Allele origin: germline. Affected: yes.

Labcorp Genetics (formerly Invitae), Labcorp
Classification: Uncertain significance for Spastic paraplegia. Last evaluated: 2020-02-07. Review status: criteria provided, single submitter. Criteria: Invitae Variant Classification Sherloc (09022015). Collection method: clinical testing. Allele origin: germline.
Comment: This variant is not present in population databases (ExAC no frequency). This variant has been observed in individual(s) with clinical features of hereditary spastic paraplegia (Invitae). This sequence change replaces alanine with glycine at codon 235 of the GBA2 protein (p.Ala235Gly). The alanine residue is moderately conserved and there is a small physicochemical difference between alanine and glycine. In summary, the available evidence is currently insufficient to determine the role of this variant in disease. Therefore, it has been classified as a Variant of Uncertain Significance. Algorithms developed to predict the effect of missense changes on protein structure and function are either unavailable or do not agree on the potential impact of this missense change (SIFT: "Tolerated"; PolyPhen-2: "Possibly Damaging"; Align-GVGD: "Class C0").